The following is an entry in ClinVar:

NM_002303.6(LEPR):c.371-10T>G

Gene: LEPR (leptin receptor; plus strand). Cytogenetic location: 1p31.3.
Variant type: single nucleotide variant.
Coding change: c.371-10T>G on transcript NM_002303.6 (MANE Select); 10 bases into the intron before coding-DNA position 371, T replaced by G.
Molecular consequence: intron variant.
Genome position (GRCh38, 1-based): chr1:65,572,316, T>G. VCF-style: chr1-65572316-T-G. GRCh37 (hg19) VCF-style: chr1-66037999-T-G.
Other names: c.371-10T>G (NM_001003679.3, NM_001003680.3, NM_001198689.2 and 2 more transcripts).
Identifiers: ClinVar variation 4989179 (VCV004989179.1).

ClinVar aggregate classification (germline): Likely benign (1 of 4 stars; one submission).

Conditions:
LEPR-related disorder. Also called: LEPR-related disorders; LEPR-related condition.

Submission:

PreventionGenetics, part of Exact Sciences
Classification: Likely benign for LEPR-related condition. Last evaluated: 2025-07-22. Review status: criteria provided, single submitter. Criteria: ACMG Guidelines, 2015. Collection method: clinical testing. Allele origin: germline.
Comment: This variant is classified as likely benign based on ACMG/AMP sequence variant interpretation guidelines (Richards et al. 2015 PMID: 25741868, with internal and published modifications).